The following is an entry in ClinVar:

ClinVar aggregate classification (germline): Uncertain significance. Review status: criteria provided, single submitter (1 of 4 stars). 2 submissions from 2 submitters: Uncertain significance (1). 1 of the submissions does not count toward it. Last evaluated 2023-11-27.

Conditions:
Abetalipoproteinaemia (ABL). Also called: Abetalipoproteinemia; Abetalipoproteinemia neuropathy; Apolipoprotein B deficiency; Congenital betalipoprotein deficiency syndrome; MTP DEFICIENCY. Identifiers: Orphanet 14, MedGen C0000744, MONDO:0008692, OMIM 200100, HP:0008181.

Allele frequency attached by ClinVar (database versions not stated): ExAC 0.00003; gnomAD 0.00003 and 0.00004; gnomAD exomes 0.00003; TOPMed 0.00005; ESP Exome Variant Server 0.00008.
gnomAD v4.1: 26 of 1,614,078 alleles (0.0016%); highest among the groups gnomAD compares: African/African-American, 0.0053%; no homozygotes.

Submissions (2):

Labcorp Genetics (formerly Invitae), Labcorp
Classification: Uncertain significance. Last evaluated: 2023-11-27. Review status: criteria provided, single submitter. Criteria: Invitae Variant Classification Sherloc (09022015). Collection method: clinical testing. Allele origin: germline.
Comment: This sequence change replaces valine, which is neutral and non-polar, with methionine, which is neutral and non-polar, at codon 55 of the MTTP protein (p.Val55Met). This variant is present in population databases (rs369453726, gnomAD 0.02%). This variant has not been reported in the literature in individuals affected with MTTP-related conditions. ClinVar contains an entry for this variant (Variation ID: 854865). Advanced modeling of protein sequence and biophysical properties (such as structural, functional, and spatial information, amino acid conservation, physicochemical variation, residue mobility, and thermodynamic stability) performed at Invitae indicates that this missense variant is expected to disrupt MTTP protein function with a positive predictive value of 80%. In summary, the available evidence is currently insufficient to determine the role of this variant in disease. Therefore, it has been classified as a Variant of Uncertain Significance.

Natera, Inc.
Classification: Uncertain significance for Abetalipoproteinemia. Last evaluated: 2020-04-21. Review status: no assertion criteria provided. Collection method: clinical testing. Allele origin: germline. Not counted in ClinVar's aggregate classification.

NM_001386140.1(MTTP):c.163G>A (p.Val55Met)

Gene: MTTP (microsomal triglyceride transfer protein; plus strand). Cytogenetic location: 4q23.
Variant type: single nucleotide variant.
Coding change: c.163G>A on transcript NM_001386140.1 (MANE Select); coding-DNA position 163, G replaced by A.
Protein change: p.Val55Met; replaces valine 55 with methionine.
Molecular consequence: missense variant. On other transcripts: 5 prime UTR variant (1).
Genome position (GRCh38, 1-based): chr4:99,582,006, G>A. VCF-style: chr4-99582006-G-A. GRCh37 (hg19) VCF-style: chr4-100503163-G-A.
Other names: c.163G>A, p.Val55Met (NM_000253.4); c.-87G>A (NM_001300785.2); short protein forms V55M.
Identifiers: ClinVar variation 854865 (VCV000854865.5), dbSNP rs369453726, ClinGen allele CA3021756.